The following is an entry in ClinVar:

NM_001142966.3(GREB1L):c.2019G>T (p.Pro673=)

Gene: GREB1L (GREB1 like retinoic acid receptor coactivator; plus strand). Cytogenetic location: 18q11.1.
Variant type: single nucleotide variant.
Coding change: c.2019G>T on transcript NM_001142966.3 (MANE Select); coding-DNA position 2019, G replaced by T.
Protein change: p.Pro673=; no amino-acid change (proline 673 retained).
Molecular consequence: synonymous variant.
Genome position (GRCh38, 1-based): chr18:21,454,400, G>T. VCF-style: chr18-21454400-G-T. GRCh37 (hg19) VCF-style: chr18-19034361-G-T.
Other names: c.2019G>T (NM_001142966.1); c.2148G>T, p.Pro716= (NM_001410867.1); c.1692G>T, p.Pro564= (NM_001410868.1).
Identifiers: ClinVar variation 1896852 (VCV001896852.7), dbSNP rs374483261, ClinGen allele CA8906448.

ClinVar aggregate classification (germline): Likely benign. Review status: criteria provided, single submitter (1 of 4 stars). 2 submissions from 2 submitters: Likely benign (1). 1 of the submissions does not count toward it. Last evaluated 2022-06-09.

Conditions:
GREB1L-related disorder. Also called: GREB1L-related condition.

Allele frequency attached by ClinVar (database versions not stated): 1000 Genomes Project 30x 0.00016.
gnomAD v4.1: 137 of 1,551,414 alleles (0.0088%); highest among the groups gnomAD compares: Non-Finnish European, 0.011%; no homozygotes.

Submissions (2):

Labcorp Genetics (formerly Invitae), Labcorp
Classification: Likely benign. Last evaluated: 2022-06-09. Review status: criteria provided, single submitter. Criteria: Invitae Variant Classification Sherloc (09022015). Collection method: clinical testing. Allele origin: germline.

PreventionGenetics, part of Exact Sciences
Classification: Likely benign for GREB1L-related condition. Last evaluated: 2019-06-21. Review status: no assertion criteria provided. Collection method: clinical testing. Allele origin: germline. Not counted in ClinVar's aggregate classification.
Comment: This variant is classified as likely benign based on ACMG/AMP sequence variant interpretation guidelines (Richards et al. 2015 PMID: 25741868, with internal and published modifications).